The following is an entry in ClinVar:

NM_001035.3(RYR2):c.11246-11del

Gene: RYR2 (ryanodine receptor 2; plus strand). Cytogenetic location: 1q43.
Variant type: Deletion.
Coding change: c.11246-11del on transcript NM_001035.3 (MANE Select); 11 bases into the intron before coding-DNA position 11246, one base deleted (A; older notation c.11246-11delA).
Molecular consequence: intron variant.
Genome position (GRCh38, 1-based): chr1:237,757,686, A deleted. VCF-style (leftmost placement, unchanged base first): chr1-237757685-TA-T. GRCh37 (hg19) VCF-style: chr1-237920985-TA-T.
Other names: c.11246-11delA (NM_001035.2); c.11246-11del (LRG_402t1).
Identifiers: ClinVar variation 43707 (VCV000043707.30), dbSNP rs397516503, ClinGen allele CA006943.

ClinVar aggregate classification (germline): Conflicting classifications of pathogenicity. Review status: criteria provided, conflicting classifications (1 of 4 stars). 8 submissions from 8 submitters: Uncertain significance (1); Benign (4); Likely benign (3). Last evaluated 2026-01-19.

Conditions:
Cardiomyopathy (CMYO). Also called: Cardiomyopathies. Identifiers: Orphanet 167848, MedGen C0878544, MONDO:0004994, HP:0001638. Inheritance: Various modes of inheritance.
Catecholaminergic polymorphic ventricular tachycardia 1. Also called: VENTRICULAR TACHYCARDIA, CATECHOLAMINERGIC POLYMORPHIC, 1, WITH OR WITHOUT ATRIAL DYSFUNCTION AND/OR DILATED CARDIOMYOPATHY; VENTRICULAR TACHYCARDIA, STRESS-INDUCED POLYMORPHIC 1; RYR2-Related Catecholaminergic Polymorphic Ventricular Tachycardia. Identifiers: Orphanet 3286, MedGen C1631597, MONDO:0011484, OMIM 604772.
Catecholaminergic polymorphic ventricular tachycardia (CVPT). Also called: Catecholamine-induced polymorphic ventricular tachycardia. Identifiers: Orphanet 3286, MedGen C5574922, MONDO:0017990.

Allele frequency attached by ClinVar (database versions not stated): gnomAD exomes 0.00003 and 0.00007; ExAC 0.00005; 1000 Genomes Project 30x 0.00016; ESP Exome Variant Server 0.00035; gnomAD 0.00035 and 0.00038; TOPMed 0.00037.

Submissions (8):

Labcorp Genetics (formerly Invitae), Labcorp
Classification: Benign for Catecholaminergic polymorphic ventricular tachycardia 1. Last evaluated: 2026-01-19. Review status: criteria provided, single submitter. Criteria: Invitae Variant Classification Sherloc (09022015). Collection method: clinical testing. Allele origin: germline.

All of Us Research Program, National Institutes of Health
Classification: Benign for Catecholaminergic polymorphic ventricular tachycardia. Last evaluated: 2023-12-18. Review status: criteria provided, single submitter. Criteria: ACMG Guidelines, 2015. Collection method: clinical testing. Allele origin: germline. Inheritance: Autosomal dominant inheritance. Observed: 24 variant alleles, 24 heterozygotes.
Comment: This study involves interpretation of variants in research participants for the purpose of population health screening. Participant phenotype was not available at the time of variant classification. Additional details can be found in publication PMID: 35346344, PMCID: PMC8962531

Blueprint Genetics
Classification: Likely benign. Last evaluated: 2022-08-12. Review status: criteria provided, single submitter. Criteria: ACMG Guidelines, 2015. Collection method: clinical testing. Allele origin: germline.

ARUP Laboratories, Molecular Genetics and Genomics, ARUP Laboratories
Classification: Likely benign. Last evaluated: 2019-11-25. Review status: criteria provided, single submitter. Criteria: ARUP Molecular Germline Variant Investigation Process. Collection method: clinical testing. Allele origin: germline.

Color Diagnostics, LLC DBA Color Health
Classification: Benign for Cardiomyopathy. Last evaluated: 2018-10-16. Review status: criteria provided, single submitter. Criteria: ACMG Guidelines, 2015. Collection method: clinical testing. Allele origin: germline.

GeneDx
Classification: Benign. Last evaluated: 2015-03-03. Review status: criteria provided, single submitter. Criteria: GeneDx Variant Classification Process June 2021. Collection method: clinical testing. Allele origin: germline. Affected: yes.

Laboratory for Molecular Medicine, Mass General Brigham Personalized Medicine
Classification: Uncertain significance. Last evaluated: 2012-01-09. Review status: criteria provided, single submitter. Criteria: LMM Criteria. Collection method: clinical testing. Allele origin: germline. Observed: 1 variant allele.
Comment: Variant classified as Uncertain Significance - Favor Benign. The 11246-11delA va riant (RYR2) has not been reported in the literature nor previously identified b y our laboratory. This variant located in the 3' splice region, but does not alt er the invariant -1 or -2 positions. Computational tools to not predict altered splicing, though the accuracy of these tools is unknown. Although this variant is likely to be benign, additional studies are needed to fully assess its clinic al significance.

PreventionGenetics, part of Exact Sciences
Classification: Likely benign. Review status: criteria provided, single submitter. Criteria: ACMG Guidelines, 2015. Collection method: clinical testing. Allele origin: germline.